The following is an entry in ClinVar:

NC_000011.10:g.89177653C>T

Gene: TYR (tyrosinase; plus strand). Cytogenetic location: 11q14.3.
Variant type: single nucleotide variant.
Genome position: GRCh38 VCF-style: chr11-89177653-C-T. GRCh37 (hg19) VCF-style: chr11-88910821-C-T.
Identifiers: ClinVar variation 1293219 (VCV001293219.4), dbSNP rs4547091, ClinGen allele CA15693339.

ClinVar aggregate classification (germline): Benign. Review status: criteria provided, multiple submitters, no conflicts (2 of 4 stars). 2 submissions from 2 submitters: Benign (2). Last evaluated 2021-05-15.

Allele frequency attached by ClinVar (database versions not stated): 1000 Genomes Project 0.48962; 1000 Genomes Project 30x 0.49438; gnomAD 0.49999 and 0.51127; TOPMed 0.50701.

Submissions (2):

GeneDx
Classification: Benign. Last evaluated: 2021-05-15. Review status: criteria provided, single submitter. Criteria: GeneDx Variant Classification Process June 2021. Collection method: clinical testing. Allele origin: germline. Affected: yes.
Comment: This variant is associated with the following publications: (PMID: 22259223)

Breakthrough Genomics
Classification: Benign. Review status: criteria provided, single submitter. Criteria: ACMG Guidelines, 2015. Collection method: not provided. Allele origin: germline. Inheritance: Autosomal recessive inheritance. Affected: yes.